The following is an entry in ClinVar:

ClinVar aggregate classification (germline): Benign (1 of 4 stars; one submission).

Allele frequency attached by ClinVar (database versions not stated): gnomAD exomes 0.81146; gnomAD 0.83236 and 0.83640; TOPMed 0.85492; 1000 Genomes Project 30x 0.89522; 1000 Genomes Project 0.89617.
gnomAD v4.1: 435,649 of 531,956 alleles (82%); highest among the groups gnomAD compares: African/African-American, 93%; 179,905 homozygotes.

Submission:

GeneDx
Classification: Benign. Last evaluated: 2018-06-14. Review status: criteria provided, single submitter. Criteria: GeneDx Variant Classification (06012015). Collection method: clinical testing. Allele origin: germline. Affected: yes.
Comment: This variant is considered likely benign or benign based on one or more of the following criteria: it is a conservative change, it occurs at a poorly conserved position in the protein, it is predicted to be benign by multiple in silico algorithms, and/or has population frequency not consistent with disease.

NM_001127222.2(CACNA1A):c.5940+229C>T

Gene: CACNA1A (calcium voltage-gated channel subunit alpha1 A; minus strand). Cytogenetic location: 19p13.13.
Variant type: single nucleotide variant.
Coding change: c.5940+229C>T on transcript NM_001127222.2 (MANE Select); 229 bases into the intron after coding-DNA position 5940, C replaced by T.
Molecular consequence: intron variant.
Genome position (GRCh38, 1-based): chr19:13,214,004, G>A on the plus strand (C>T on the coding strand, the complement: CACNA1A is on the minus strand). VCF-style: chr19-13214004-G-A. GRCh37 (hg19) VCF-style: chr19-13324818-G-A.
Other names: c.5943+229C>T (NM_001127221.2); c.5949+229C>T (NM_001174080.2); c.5958+229C>T (NM_000068.4, NM_023035.3).
Identifiers: ClinVar variation 678196 (VCV000678196.1), dbSNP rs892018, ClinGen allele CA14670602.
Genomic context (GRCh38, chr19:13,214,004, plus strand): 5'-CTAAATAGCTGGGACTACAGGTGTGCACCACCATGCCTGGCTAATGTTTTATTTTGTAGA[G>A]ATGGAGTCTCACTGTGTTGCCCAGGGTGGTCTCATCCTGGTCTCAAACGATCCCTCTGCC-3'